The following is an entry in ClinVar:

ClinVar aggregate classification (germline): Uncertain significance. Review status: criteria provided, multiple submitters, no conflicts (2 of 4 stars). 2 submissions from 2 submitters: Uncertain significance (2). Last evaluated 2024-06-13.

Conditions:
Rhabdoid tumor predisposition syndrome 2 (RTPS2). Identifiers: Orphanet 231108, Orphanet 69077, MedGen C2750074, MONDO:0013224, OMIM 613325.
Hereditary cancer-predisposing syndrome. Also called: Tumor predisposition; Hereditary neoplastic syndrome; Neoplastic Syndromes, Hereditary; Hereditary Cancer Syndrome. Identifiers: Orphanet 140162, MedGen C0027672, MeSH D009386, MONDO:0015356.

Allele frequency attached by ClinVar (database versions not stated): TOPMed below 0.00001; gnomAD 0.00001.
gnomAD v4.1: 1 of 1,537,060 alleles (0.000065%); highest among the groups gnomAD compares: African/African-American, 0.0014%; no homozygotes.

Submissions (2):

Labcorp Genetics (formerly Invitae), Labcorp
Classification: Uncertain significance for Rhabdoid tumor predisposition syndrome 2. Last evaluated: 2024-06-13. Review status: criteria provided, single submitter. Criteria: Invitae Variant Classification Sherloc (09022015). Collection method: clinical testing. Allele origin: germline.
Comment: This sequence change replaces proline, which is neutral and non-polar, with leucine, which is neutral and non-polar, at codon 246 of the SMARCA4 protein (p.Pro246Leu). This variant is not present in population databases (gnomAD no frequency). This variant has not been reported in the literature in individuals affected with SMARCA4-related conditions. ClinVar contains an entry for this variant (Variation ID: 848013). Advanced modeling of protein sequence and biophysical properties (such as structural, functional, and spatial information, amino acid conservation, physicochemical variation, residue mobility, and thermodynamic stability) performed at Invitae indicates that this missense variant is not expected to disrupt SMARCA4 protein function with a negative predictive value of 95%. In summary, the available evidence is currently insufficient to determine the role of this variant in disease. Therefore, it has been classified as a Variant of Uncertain Significance.

Ambry Genetics
Classification: Uncertain significance for Hereditary cancer-predisposing syndrome. Last evaluated: 2017-11-08. Review status: criteria provided, single submitter. Criteria: Ambry Variant Classification Scheme 2023. Collection method: clinical testing. Allele origin: germline.
Comment: The p.P246L variant (also known as c.737C>T), located in coding exon 3 of the SMARCA4 gene, results from a C to T substitution at nucleotide position 737. The proline at codon 246 is replaced by leucine, an amino acid with similar properties. This amino acid position is well conserved in available vertebrate species. In addition, this alteration is predicted to be tolerated by in silico analysis. Since supporting evidence is limited at this time, the clinical significance of this alteration remains unclear.

NM_003072.5(SMARCA4):c.737C>T (p.Pro246Leu)

Gene: SMARCA4 (SWI/SNF related BAF chromatin remodeling complex subunit ATPase 4; plus strand). Cytogenetic location: 19p13.2.
Variant type: single nucleotide variant.
Coding change: c.737C>T on transcript NM_003072.5 (MANE Select); coding-DNA position 737, C replaced by T.
Protein change: p.Pro246Leu; replaces proline 246 with leucine.
Molecular consequence: missense variant. On other transcripts: non-coding transcript variant (1).
Genome position (GRCh38, 1-based): chr19:10,986,570, C>T. VCF-style: chr19-10986570-C-T. GRCh37 (hg19) VCF-style: chr19-11097246-C-T.
Other names: c.737C>T, p.Pro246Leu (NM_001128844.3, NM_001128845.2, NM_001128846.2 and 4 more transcripts); short protein forms P246L.
Identifiers: ClinVar variation 848013 (VCV000848013.12), dbSNP rs1366344437, ClinGen allele CA404057246.